The following is an entry in ClinVar:

NM_014806.5(RUSC2):c.2537A>T (p.Tyr846Phe)

Gene: RUSC2 (RUN and SH3 domain containing 2; plus strand). Cytogenetic location: 9p13.3.
Variant type: single nucleotide variant.
Coding change: c.2537A>T on transcript NM_014806.5 (MANE Select); coding-DNA position 2537, A replaced by T.
Protein change: p.Tyr846Phe; replaces tyrosine 846 with phenylalanine.
Molecular consequence: missense variant. On other transcripts: 5 prime UTR variant (1), non-coding transcript variant (1).
Genome position (GRCh38, 1-based): chr9:35,555,582, A>T. VCF-style: chr9-35555582-A-T. GRCh37 (hg19) VCF-style: chr9-35555579-A-T.
Other names: c.2537A>T, p.Tyr846Phe (NM_001135999.2); c.-98A>T (NM_001330740.2); short protein forms Y846F.
Identifiers: ClinVar variation 1503552 (VCV001503552.4), dbSNP rs766265485, ClinGen allele CA5043888.

ClinVar aggregate classification (germline): Uncertain significance (1 of 4 stars; one submission).

Allele frequency attached by ClinVar (database versions not stated): gnomAD exomes below 0.00001; ExAC 0.00001; gnomAD 0.00001.
gnomAD v4.1: 5 of 1,613,880 alleles (0.00031%); highest among the groups gnomAD compares: Non-Finnish European, 0.00042%; no homozygotes.

Submission:

Labcorp Genetics (formerly Invitae), Labcorp
Classification: Uncertain significance. Last evaluated: 2022-01-12. Review status: criteria provided, single submitter. Criteria: Invitae Variant Classification Sherloc (09022015). Collection method: clinical testing. Allele origin: germline.
Comment: In summary, the available evidence is currently insufficient to determine the role of this variant in disease. Therefore, it has been classified as a Variant of Uncertain Significance. Algorithms developed to predict the effect of missense changes on protein structure and function are either unavailable or do not agree on the potential impact of this missense change (SIFT: "Tolerated"; PolyPhen-2: "Probably Damaging"; Align-GVGD: "Class C0"). This variant has not been reported in the literature in individuals affected with RUSC2-related conditions. This variant is present in population databases (rs766265485, gnomAD 0.0009%). This sequence change replaces tyrosine, which is neutral and polar, with phenylalanine, which is neutral and non-polar, at codon 846 of the RUSC2 protein (p.Tyr846Phe).